The following is an entry in ClinVar:

NM_213599.3(ANO5):c.*1661C>T

Gene: ANO5 (anoctamin 5; plus strand). Cytogenetic location: 11p14.3.
Variant type: single nucleotide variant.
Coding change: c.*1661C>T on transcript NM_213599.3 (MANE Select); 1661 bases downstream of the stop codon, C replaced by T.
Molecular consequence: 3 prime UTR variant.
Genome position (GRCh38, 1-based): chr11:22,281,426, C>T. VCF-style: chr11-22281426-C-T. GRCh37 (hg19) VCF-style: chr11-22302972-C-T.
Other names: c.*1661C>T (NM_001142649.2).
Identifiers: ClinVar variation 304136 (VCV000304136.7), dbSNP rs12284506, ClinGen allele CA10638179.
Genomic context (GRCh38, chr11:22,281,426, plus strand): 5'-AAACTATGAGACAGTCACCCCAGTTTGGACTGGGACTAATCCCCAGTACTGATTTGTCAT[C>T]CACTGAGTAGACTTTATGAATATTTTGGGTAATTTGAAATGATCTCATTATTGAAAGATG-3'

ClinVar aggregate classification (germline): Benign/Likely benign. Review status: criteria provided, multiple submitters, no conflicts (2 of 4 stars). 2 submissions from 2 submitters: Benign (1); Likely benign (1). Last evaluated 2021-05-10.

Conditions:
ANO5-Related Muscle Diseases. Identifiers: MedGen CN180644.

Allele frequency attached by ClinVar (database versions not stated): TOPMed 0.01333; gnomAD 0.01162 and 0.01249; 1000 Genomes Project 0.01438; 1000 Genomes Project 30x 0.01546.

Submissions (2):

GeneDx
Classification: Likely benign. Last evaluated: 2021-05-10. Review status: criteria provided, single submitter. Criteria: GeneDx Variant Classification Process June 2021. Collection method: clinical testing. Allele origin: germline. Affected: yes.

Illumina Laboratory Services, Illumina
Classification: Benign for ANO5-Related Muscle Diseases. Last evaluated: 2018-01-13. Review status: criteria provided, single submitter. Criteria: ICSL Variant Classification Criteria 13 December 2019. Collection method: clinical testing. Allele origin: germline.
Comment: This variant was observed in the ICSL laboratory as part of a predisposition screen in an ostensibly healthy population. It had not been previously curated by ICSL or reported in the Human Gene Mutation Database (HGMD: prior to June 1st, 2018), and was therefore a candidate for classification through an automated scoring system. Utilizing variant allele frequency, disease prevalence and penetrance estimates, and inheritance mode, an automated score was calculated to assess if this variant is too frequent to cause the disease. Based on the score and internal cut-off values, a variant classified as benign is not then subjected to further curation. The score for this variant resulted in a classification of benign for this disease.